The following is an entry in ClinVar:

NM_052989.3(IFT122):c.410G>C (p.Cys137Ser)

Gene: IFT122 (intraflagellar transport 122; plus strand). Cytogenetic location: 3q21.3.
Variant type: single nucleotide variant.
Coding change: c.410G>C on transcript NM_052989.3 (MANE Select); coding-DNA position 410, G replaced by C.
Protein change: p.Cys137Ser; replaces cysteine 137 with serine.
Molecular consequence: missense variant. On other transcripts: 5 prime UTR variant (2).
Genome position (GRCh38, 1-based): chr3:129,463,620, G>C. VCF-style: chr3-129463620-G-C. GRCh37 (hg19) VCF-style: chr3-129182463-G-C.
Other names: c.563G>C, p.Cys188Ser (NM_001280541.2, NM_052985.4); c.-41G>C (NM_001280545.2, NM_001280546.2); c.410G>C, p.Cys137Ser (NM_018262.4); c.254G>C, p.Cys85Ser (NM_052990.3); short protein forms C188S, C85S, C137S.
Identifiers: ClinVar variation 1378718 (VCV001378718.9), dbSNP rs1278478989, ClinGen allele CA354471998.

ClinVar aggregate classification (germline): Uncertain significance. Review status: criteria provided, multiple submitters, no conflicts (2 of 4 stars). 2 submissions from 2 submitters: Uncertain significance (2). Last evaluated 2021-08-30.

Conditions:
Cranioectodermal dysplasia 1 (CED1). Also called: LEVIN SYNDROME I. Identifiers: Orphanet 1515, MedGen C0432235, MONDO:0021093, OMIM 218330.

Allele frequency attached by ClinVar (database versions not stated): gnomAD exomes below 0.00001 and 0.00001; gnomAD 0.00001; TOPMed 0.00002.
gnomAD v4.1: 8 of 1,613,086 alleles (0.0005%); highest among the groups gnomAD compares: Non-Finnish European, 0.00068%; no homozygotes.

Submissions (2):

Fulgent Genetics
Classification: Uncertain significance for Cranioectodermal dysplasia 1. Last evaluated: 2021-08-30. Review status: criteria provided, single submitter. Criteria: ACMG Guidelines, 2015. Collection method: clinical testing. Allele origin: unknown.

Labcorp Genetics (formerly Invitae), Labcorp
Classification: Uncertain significance for Cranioectodermal dysplasia 1. Last evaluated: 2021-04-28. Review status: criteria provided, single submitter. Criteria: Invitae Variant Classification Sherloc (09022015). Collection method: clinical testing. Allele origin: germline.
Comment: This variant has not been reported in the literature in individuals with IFT122-related conditions. Algorithms developed to predict the effect of missense changes on protein structure and function (SIFT, PolyPhen-2, Align-GVGD) all suggest that this variant is likely to be tolerated, but these predictions have not been confirmed by published functional studies and their clinical significance is uncertain. In summary, the available evidence is currently insufficient to determine the role of this variant in disease. Therefore, it has been classified as a Variant of Uncertain Significance. This variant is not present in population databases (ExAC no frequency). This sequence change replaces cysteine with serine at codon 188 of the IFT122 protein (p.Cys188Ser). The cysteine residue is moderately conserved and there is a moderate physicochemical difference between cysteine and serine.